The following is an entry in ClinVar:

ClinVar aggregate classification (germline): Likely benign (1 of 4 stars; one submission).

Submission:

CeGaT Center for Human Genetics Tuebingen
Classification: Likely benign. Last evaluated: 2025-02-01. Review status: criteria provided, single submitter. Criteria: CeGaT Center For Human Genetics Tuebingen Variant Classification Criteria Version 2. Collection method: clinical testing. Allele origin: germline. Affected: yes. Observed: 2 variant alleles.
Comment: VCF2: PM2:Supporting, BP4, BP7

NM_001166701.4(VCF2):c.21G>A (p.Arg7=)

Gene: VCF2 (VCP nuclear cofactor family member 2; minus strand). Cytogenetic location: Xp11.21.
Variant type: single nucleotide variant.
Coding change: c.21G>A on transcript NM_001166701.4 (MANE Select); coding-DNA position 21, G replaced by A.
Protein change: p.Arg7=; no amino-acid change (arginine 7 retained).
Molecular consequence: synonymous variant. On other transcripts: non-coding transcript variant (1).
Genome position (GRCh38, 1-based): chrX:55,159,228, C>T on the plus strand (G>A on the coding strand, the complement: VCF2 is on the minus strand). VCF-style: chrX-55159228-C-T. GRCh37 (hg19) VCF-style: chrX-55185661-C-T.
Other names: c.21G>A, p.Arg7= (NM_001166699.2, NM_001166700.2, NM_001166704.2 and 1 more transcripts); c.12G>A, p.Arg4= (NM_001166702.2); c.18G>A, p.Leu6= (NM_001166703.2).
Identifiers: ClinVar variation 3771317 (VCV003771317.13).
Genomic context (GRCh38, chrX:55,159,228, plus strand): 5'-ATTCCTTTTGGGCTGGGTGGAATGATGGTTGCCCTCTTTACTGCCATTTCTTCTTCTTTT[C>T]CTGAAAATAAATTGTAAAGAGAGAGTTGTTACATGAAACAACTGATCTTTTGGATGCTTA-3'
Protein context (NP_001160173.1, residues 1-17): MGGCPV[Arg7=]KRRRNGSKEG